The following is an entry in ClinVar:

ClinVar aggregate classification (germline): Uncertain significance (1 of 4 stars; one submission).

Allele frequency attached by ClinVar (database versions not stated): gnomAD exomes below 0.00001 and 0.00001; ExAC 0.00001.
gnomAD v4.1: 6 of 1,614,036 alleles (0.00037%); highest among the groups gnomAD compares: Non-Finnish European, 0.00051%; no homozygotes.

Submission:

GeneDx
Classification: Uncertain significance. Last evaluated: 2020-01-20. Review status: criteria provided, single submitter. Criteria: GeneDx Variant Classification Process June 2021. Collection method: clinical testing. Allele origin: germline. Affected: yes.
Comment: Not observed at a significant frequency in large population cohorts (Lek et al., 2016); In silico analysis, which includes protein predictors and evolutionary conservation, supports that this variant does not alter protein structure/function; Has not been previously published as pathogenic or benign to our knowledge

NM_001349.4(DARS1):c.32A>G (p.Gln11Arg)

Genes: DARS1 (aspartyl-tRNA synthetase 1; minus strand), DARS1-AS1 (DARS1 antisense RNA 1; plus strand), LOC129934843 (ATAC-STARR-seq lymphoblastoid active region 16580; plus strand). Cytogenetic location: 2q21.3.
Variant type: single nucleotide variant.
Coding change: c.32A>G on transcript NM_001349.4 (MANE Select); coding-DNA position 32, A replaced by G.
Protein change: p.Gln11Arg; replaces glutamine 11 with arginine.
Molecular consequence: missense variant. On other transcripts: non-coding transcript variant (2), 5 prime UTR variant (1).
Genome position (GRCh38, 1-based): chr2:135,985,437, T>C on the plus strand (A>G on the coding strand, the complement: DARS1 is on the minus strand). VCF-style: chr2-135985437-T-C. GRCh37 (hg19) VCF-style: chr2-136743007-T-C.
Other names: c.-211A>G (NM_001293312.1); short protein forms Q11R.
Identifiers: ClinVar variation 1311069 (VCV001311069.2), dbSNP rs758208369, ClinGen allele CA1889976.